The following is an entry in ClinVar:

NM_017752.3(TBC1D8B):c.2732A>T (p.Tyr911Phe)

Gene: TBC1D8B (TBC1 domain family member 8B; plus strand). Cytogenetic location: Xq22.3.
Variant type: single nucleotide variant.
Coding change: c.2732A>T on transcript NM_017752.3 (MANE Select); coding-DNA position 2732, A replaced by T.
Protein change: p.Tyr911Phe; replaces tyrosine 911 with phenylalanine.
Molecular consequence: missense variant.
Genome position (GRCh38, 1-based): chrX:106,868,396, A>T. VCF-style: chrX-106868396-A-T. GRCh37 (hg19) VCF-style: chrX-106111626-A-T.
Other names: short protein forms Y911F.
Identifiers: ClinVar variation 1995827 (VCV001995827.4), dbSNP rs781072400, ClinGen allele CA10483422.

ClinVar aggregate classification (germline): Uncertain significance (1 of 4 stars; one submission).

Allele frequency attached by ClinVar (database versions not stated): ExAC 0.00001.

Submission:

Labcorp Genetics (formerly Invitae), Labcorp
Classification: Uncertain significance. Last evaluated: 2022-04-21. Review status: criteria provided, single submitter. Criteria: Invitae Variant Classification Sherloc (09022015). Collection method: clinical testing. Allele origin: germline.
Comment: This sequence change replaces tyrosine, which is neutral and polar, with phenylalanine, which is neutral and non-polar, at codon 911 of the TBC1D8B protein (p.Tyr911Phe). This variant is present in population databases (rs781072400, gnomAD 0.01%). This variant has not been reported in the literature in individuals affected with TBC1D8B-related conditions. Algorithms developed to predict the effect of missense changes on protein structure and function output the following: SIFT: "Tolerated"; PolyPhen-2: "Benign"; Align-GVGD: "Class C0". The phenylalanine amino acid residue is found in multiple mammalian species, which suggests that this missense change does not adversely affect protein function. In summary, the available evidence is currently insufficient to determine the role of this variant in disease. Therefore, it has been classified as a Variant of Uncertain Significance.